The following is an entry in ClinVar:

ClinVar aggregate classification (germline): Pathogenic (1 of 4 stars; one submission).

Submission:

Labcorp Genetics (formerly Invitae), Labcorp
Classification: Pathogenic. Last evaluated: 2023-04-22. Review status: criteria provided, single submitter. Criteria: Invitae Variant Classification Sherloc (09022015). Collection method: clinical testing. Allele origin: unknown.
Comment: For these reasons, this variant has been classified as Pathogenic. This variant has not been reported in the literature in individuals affected with SLC12A3-related conditions. This variant is a gross deletion of the genomic region encompassing exon(s) 14-18 of the SLC12A3 gene. This deletion is out-of-frame, and is expected to create a premature termination codon and result in an absent or disrupted protein product. Loss-of-function variants in SLC12A3 are known to be pathogenic (PMID: 20848653, 22009145, 25841442).

Literature cited by the submitters: PubMed 20848653; PubMed 22009145; PubMed 25841442.

NC_000016.9:g.(?_56917770)_(56921963_?)del

Gene: SLC12A3 (solute carrier family 12 member 3; plus strand). Cytogenetic location: 16q13.
Variant type: Deletion.
Identifiers: ClinVar variation 3243576 (VCV003243576.1).